The following is an entry in ClinVar:

ClinVar aggregate classification (germline): Uncertain significance (1 of 4 stars; one submission).

Conditions:
Peroxisome biogenesis disorder 3A (Zellweger). Also called: PEROXISOMAL BIOGENESIS DISORDER 3A (ZELLWEGER); Peroxisome biogenesis disorder 3A. Identifiers: Orphanet 912, MedGen C3553929, MONDO:0013927, OMIM 614859.

Submission:

Labcorp Genetics (formerly Invitae), Labcorp
Classification: Uncertain significance for Peroxisome biogenesis disorder 3A (Zellweger). Last evaluated: 2022-07-12. Review status: criteria provided, single submitter. Criteria: Invitae Variant Classification Sherloc (09022015). Collection method: clinical testing. Allele origin: germline.
Comment: In summary, the available evidence is currently insufficient to determine the role of this variant in disease. Therefore, it has been classified as a Variant of Uncertain Significance. This sequence change replaces glycine, which is neutral and non-polar, with arginine, which is basic and polar, at codon 5 of the PEX12 protein (p.Gly5Arg). This variant is not present in population databases (gnomAD no frequency). This variant has not been reported in the literature in individuals affected with PEX12-related conditions. ClinVar contains an entry for this variant (Variation ID: 1350010). Algorithms developed to predict the effect of missense changes on protein structure and function are either unavailable or do not agree on the potential impact of this missense change (SIFT: "Tolerated"; PolyPhen-2: "Probably Damaging"; Align-GVGD: "Class C0").

NM_000286.3(PEX12):c.13G>A (p.Gly5Arg)

Gene: PEX12 (peroxisomal biogenesis factor 12; minus strand). Cytogenetic location: 17q12.
Variant type: single nucleotide variant.
Coding change: c.13G>A on transcript NM_000286.3 (MANE Select); coding-DNA position 13, G replaced by A.
Protein change: p.Gly5Arg; replaces glycine 5 with arginine.
Molecular consequence: missense variant.
Genome position (GRCh38, 1-based): chr17:35,578,009, C>T on the plus strand (G>A on the coding strand, the complement: PEX12 is on the minus strand). VCF-style: chr17-35578009-C-T. GRCh37 (hg19) VCF-style: chr17-33905028-C-T.
Other names: short protein forms G5R.
Identifiers: ClinVar variation 1350010 (VCV001350010.8), dbSNP rs2142231778, ClinGen allele CA399139053.